The following is an entry in ClinVar:

ClinVar aggregate classification (germline): Uncertain significance. Review status: criteria provided, multiple submitters, no conflicts (2 of 4 stars). 2 submissions from 2 submitters: Uncertain significance (2). Last evaluated 2026-04-15.

Conditions:
Hereditary cancer-predisposing syndrome. Also called: Tumor predisposition; Hereditary Cancer Syndrome; Hereditary neoplastic syndrome; Neoplastic Syndromes, Hereditary. Identifiers: Orphanet 140162, MedGen C0027672, MeSH D009386, MONDO:0015356.

Submissions (2):

Ambry Genetics
Classification: Uncertain significance for Hereditary cancer-predisposing syndrome. Last evaluated: 2026-04-15. Review status: criteria provided, single submitter. Criteria: Ambry Variant Classification Scheme 2023. Collection method: clinical testing. Allele origin: germline.
Comment: The p.Q345H variant (also known as c.1035A>T), located in coding exon 11 of the POLE gene, results from an A to T substitution at nucleotide position 1035. The glutamine at codon 345 is replaced by histidine, an amino acid with highly similar properties. This amino acid position is highly conserved in available vertebrate species. In addition, the in silico prediction for this alteration is inconclusive. Based on the available evidence, the clinical significance of this variant remains unclear.

Labcorp Genetics (formerly Invitae), Labcorp
Classification: Uncertain significance. Last evaluated: 2025-10-05. Review status: criteria provided, single submitter. Criteria: Invitae Variant Classification Sherloc (09022015). Collection method: clinical testing. Allele origin: germline.
Comment: This sequence change replaces glutamine, which is neutral and polar, with histidine, which is basic and polar, at codon 345 of the POLE protein (p.Gln345His). This variant is not present in population databases (gnomAD no frequency). This variant has not been reported in the literature in individuals affected with POLE-related conditions. ClinVar contains an entry for this variant (Variation ID: 2144495). Invitae Evidence Modeling of protein sequence and biophysical properties (such as structural, functional, and spatial information, amino acid conservation, physicochemical variation, residue mobility, and thermodynamic stability) indicates that this missense variant is not expected to disrupt POLE protein function with a negative predictive value of 80%. Studies have shown that this missense change is associated with inconclusive levels of altered splicing (internal data). In summary, the available evidence is currently insufficient to determine the role of this variant in disease. Therefore, it has been classified as a Variant of Uncertain Significance.

NM_006231.4(POLE):c.1035A>T (p.Gln345His)

Gene: POLE (DNA polymerase epsilon, catalytic subunit; minus strand). Cytogenetic location: 12q24.33.
Variant type: single nucleotide variant.
Coding change: c.1035A>T on transcript NM_006231.4 (MANE Select); coding-DNA position 1035, A replaced by T.
Protein change: p.Gln345His; replaces glutamine 345 with histidine.
Molecular consequence: missense variant.
Genome position (GRCh38, 1-based): chr12:132,675,806, T>A on the plus strand (A>T on the coding strand, the complement: POLE is on the minus strand). VCF-style: chr12-132675806-T-A. GRCh37 (hg19) VCF-style: chr12-133252392-T-A.
Other names: c.1035A>T (NM_006231.2); short protein forms Q345H.
Identifiers: ClinVar variation 2144495 (VCV002144495.5), dbSNP rs2542163199, ClinGen allele CA387361813.